The following is an entry in ClinVar:

ClinVar aggregate classification (germline): Uncertain significance (1 of 4 stars; one submission).

Conditions:
Zellweger spectrum disorders (ZS). Also called: Zellweger syndrome; Zellweger Spectrum Disorder (ZSD); Zellweger Spectrum Disorder; Zellweger Spectrum. Identifiers: Orphanet 912, MedGen C0043459, MONDO:0019609.

Allele frequency attached by ClinVar (database versions not stated): gnomAD exomes below 0.00001.
gnomAD v4.1: 2 of 1,589,630 alleles (0.00013%); highest among the groups gnomAD compares: South Asian, 0.0022%; no homozygotes.

Submission:

Labcorp Genetics (formerly Invitae), Labcorp
Classification: Uncertain significance for Zellweger spectrum disorders. Last evaluated: 2021-08-31. Review status: criteria provided, single submitter. Criteria: Invitae Variant Classification Sherloc (09022015). Collection method: clinical testing. Allele origin: germline.
Comment: This sequence change replaces histidine with asparagine at codon 427 of the PEX1 protein (p.His427Asn). The histidine residue is weakly conserved and there is a small physicochemical difference between histidine and asparagine. This variant is not present in population databases (ExAC no frequency). This variant has not been reported in the literature in individuals affected with PEX1-related conditions. Algorithms developed to predict the effect of missense changes on protein structure and function are either unavailable or do not agree on the potential impact of this missense change (SIFT: "Tolerated"; PolyPhen-2: "Probably Damaging"; Align-GVGD: "Class C0"). In summary, the available evidence is currently insufficient to determine the role of this variant in disease. Therefore, it has been classified as a Variant of Uncertain Significance.

NM_000466.3(PEX1):c.1279C>A (p.His427Asn)

Gene: PEX1 (peroxisomal biogenesis factor 1; minus strand). Cytogenetic location: 7q21.2.
Variant type: single nucleotide variant.
Coding change: c.1279C>A on transcript NM_000466.3 (MANE Select); coding-DNA position 1279, C replaced by A.
Protein change: p.His427Asn; replaces histidine 427 with asparagine.
Molecular consequence: missense variant.
Genome position (GRCh38, 1-based): chr7:92,513,928, G>T on the plus strand (C>A on the coding strand, the complement: PEX1 is on the minus strand). VCF-style: chr7-92513928-G-T. GRCh37 (hg19) VCF-style: chr7-92143242-G-T.
Other names: c.1279C>A, p.His427Asn (NM_001282677.2); c.655C>A, p.His219Asn (NM_001282678.2); short protein forms H219N, H427N.
Identifiers: ClinVar variation 1496097 (VCV001496097.5), dbSNP rs2116221515, ClinGen allele CA368193148.